The following is an entry in ClinVar:

NM_001145809.2(MYH14):c.2458C>T (p.Arg820Cys)

Gene: MYH14 (myosin heavy chain 14; plus strand). Cytogenetic location: 19q13.33.
Variant type: single nucleotide variant.
Coding change: c.2458C>T on transcript NM_001145809.2 (MANE Select); coding-DNA position 2458, C replaced by T.
Protein change: p.Arg820Cys; replaces arginine 820 with cysteine.
Molecular consequence: missense variant.
Genome position (GRCh38, 1-based): chr19:50,261,508, C>T. VCF-style: chr19-50261508-C-T. GRCh37 (hg19) VCF-style: chr19-50764765-C-T.
Other names: p.Arg779Cys; c.2359C>T, p.Arg787Cys (NM_001077186.2); c.2335C>T, p.Arg779Cys (NM_024729.4); short protein forms R820C, R779C, R787C.
Identifiers: ClinVar variation 228872 (VCV000228872.19), dbSNP rs767984672, ClinGen allele CA9592961.

ClinVar aggregate classification (germline): Uncertain significance. Review status: criteria provided, multiple submitters, no conflicts (2 of 4 stars). 6 submissions from 6 submitters: Uncertain significance (6). Last evaluated 2025-10-02.

Conditions:
Inborn genetic diseases. Identifiers: MedGen C0950123, MeSH D030342.

Allele frequency attached by ClinVar (database versions not stated): ExAC 0.00005; gnomAD 0.00005; TOPMed 0.00007.

Submissions (6):

Labcorp Genetics (formerly Invitae), Labcorp
Classification: Uncertain significance. Last evaluated: 2025-10-02. Review status: criteria provided, single submitter. Criteria: Invitae Variant Classification Sherloc (09022015). Collection method: clinical testing. Allele origin: germline.
Comment: This sequence change replaces arginine, which is basic and polar, with cysteine, which is neutral and slightly polar, at codon 779 of the MYH14 protein (p.Arg779Cys). This variant is present in population databases (rs767984672, gnomAD 0.01%). This variant has not been reported in the literature in individuals affected with MYH14-related conditions. ClinVar contains an entry for this variant (Variation ID: 228872). Invitae Evidence Modeling of protein sequence and biophysical properties (such as structural, functional, and spatial information, amino acid conservation, physicochemical variation, residue mobility, and thermodynamic stability) indicates that this missense variant is not expected to disrupt MYH14 protein function with a negative predictive value of 80%. In summary, the available evidence is currently insufficient to determine the role of this variant in disease. Therefore, it has been classified as a Variant of Uncertain Significance.

Ambry Genetics
Classification: Uncertain significance for Inborn genetic diseases. Last evaluated: 2024-05-06. Review status: criteria provided, single submitter. Criteria: Ambry Variant Classification Scheme 2023. Collection method: clinical testing. Allele origin: germline.

Mayo Clinic Laboratories, Mayo Clinic
Classification: Uncertain significance. Last evaluated: 2023-06-02. Review status: criteria provided, single submitter. Criteria: ACMG Guidelines, 2015. Collection method: clinical testing. Allele origin: germline. Observed: 1 variant allele.

GeneDx
Classification: Uncertain significance. Last evaluated: 2022-06-29. Review status: criteria provided, single submitter. Criteria: GeneDx Variant Classification Process June 2021. Collection method: clinical testing. Allele origin: germline. Affected: yes.
Comment: In silico analysis supports that this missense variant has a deleterious effect on protein structure/function; Has not been previously published as pathogenic or benign to our knowledge

ARUP Laboratories, Molecular Genetics and Genomics, ARUP Laboratories
Classification: Uncertain significance. Last evaluated: 2017-01-21. Review status: criteria provided, single submitter. Criteria: ARUP Molecular Germline Variant Investigation Process. Collection method: clinical testing. Allele origin: germline.

Laboratory for Molecular Medicine, Mass General Brigham Personalized Medicine
Classification: Uncertain significance. Last evaluated: 2015-12-08. Review status: criteria provided, single submitter. Criteria: LMM Criteria. Collection method: clinical testing. Allele origin: germline. Observed: 1 variant allele.
Comment: The p.Arg820Cys variant in MYH14 has not been previously reported in individuals with hearing loss, but has been identified in 6/65028 European chromosomes by t he Exome Aggregation Consortium (ExAC; dbSNP rs7 67984672). Computational prediction tools and conservation analysis suggest that this variant may impact the protein, though this information is not predictive enough to determine pathogenicity. In summary, the clinical significance of the p.Arg820Cys variant is uncertain.